The following is an entry in ClinVar:

ClinVar aggregate classification (germline): Uncertain significance. Review status: criteria provided, multiple submitters, no conflicts (2 of 4 stars). 2 submissions from 2 submitters: Uncertain significance (2). Last evaluated 2025-06-18.

Conditions:
Inborn genetic diseases. Identifiers: MedGen C0950123, MeSH D030342.

Allele frequency attached by ClinVar (database versions not stated): gnomAD exomes below 0.00001; TOPMed below 0.00001.
gnomAD v4.1: 1 of 1,517,434 alleles (0.000066%); highest among the groups gnomAD compares: Admixed American, 0.0017%; no homozygotes.

Submissions (2):

Ambry Genetics
Classification: Uncertain significance for Inborn genetic diseases. Last evaluated: 2025-06-18. Review status: criteria provided, single submitter. Criteria: Ambry Variant Classification Scheme 2023. Collection method: clinical testing. Allele origin: germline.

Labcorp Genetics (formerly Invitae), Labcorp
Classification: Uncertain significance. Last evaluated: 2024-02-24. Review status: criteria provided, single submitter. Criteria: Invitae Variant Classification Sherloc (09022015). Collection method: clinical testing. Allele origin: germline.
Comment: This sequence change replaces isoleucine, which is neutral and non-polar, with valine, which is neutral and non-polar, at codon 397 of the EYS protein (p.Ile397Val). The frequency data for this variant in the population databases is considered unreliable, as metrics indicate poor data quality at this position in the gnomAD database. This variant has not been reported in the literature in individuals affected with EYS-related conditions. ClinVar contains an entry for this variant (Variation ID: 1441944). Algorithms developed to predict the effect of missense changes on protein structure and function output the following: SIFT: "Not Available"; PolyPhen-2: "Benign"; Align-GVGD: "Not Available". The valine amino acid residue is found in multiple mammalian species, which suggests that this missense change does not adversely affect protein function. In summary, the available evidence is currently insufficient to determine the role of this variant in disease. Therefore, it has been classified as a Variant of Uncertain Significance.

NM_001142800.2(EYS):c.1189A>G (p.Ile397Val)

Gene: EYS (EGF-like photoreceptor maintenance factor; minus strand). Cytogenetic location: 6q12.
Variant type: single nucleotide variant.
Coding change: c.1189A>G on transcript NM_001142800.2 (MANE Select); coding-DNA position 1189, A replaced by G.
Protein change: p.Ile397Val; replaces isoleucine 397 with valine.
Molecular consequence: missense variant.
Genome position (GRCh38, 1-based): chr6:65,384,496, T>C on the plus strand (A>G on the coding strand, the complement: EYS is on the minus strand). VCF-style: chr6-65384496-T-C. GRCh37 (hg19) VCF-style: chr6-66094389-T-C.
Other names: c.1189A>G, p.Ile397Val (NM_001142801.2, NM_001292009.2, NM_198283.2); c.1189A>G (NM_001142800.1); short protein forms I397V.
Identifiers: ClinVar variation 1441944 (VCV001441944.9), dbSNP rs1365596246, ClinGen allele CA364662220.
Genomic context (GRCh38, chr6:65,384,496, plus strand): 5'-TGCTGAGCAGTTTACAGTGGTCAATTGCTTTCTCACAGTTTTTTTCAGTAAATCCTGATA[T>C]ACAGCTGTAAATACATCAGTGTAAATTAGAAAAATTATAATTTAAATGTTTTCAGAAAAG-3'
Protein context (NP_001136272.1, residues 387-407): KCEKDYPCSC[Ile397Val]SGFTEKNCEK